The following is an entry in ClinVar:

ClinVar aggregate classification (germline): Uncertain significance (1 of 4 stars; one submission).

Conditions:
Hereditary cancer-predisposing syndrome. Also called: Hereditary neoplastic syndrome; Hereditary Cancer Syndrome; Neoplastic Syndromes, Hereditary; Tumor predisposition. Identifiers: Orphanet 140162, MedGen C0027672, MeSH D009386, MONDO:0015356.

Submission:

Color Diagnostics, LLC DBA Color Health
Classification: Uncertain significance for Hereditary cancer-predisposing syndrome. Last evaluated: 2022-06-06. Review status: criteria provided, single submitter. Criteria: ACMG Guidelines, 2015. Collection method: clinical testing. Allele origin: germline.
Comment: This missense variant replaces valine with glycine at codon 648 of the ATM protein. Computational prediction suggests that this variant may not impact protein structure and function (internally defined REVEL score threshold <= 0.5, PMID: 27666373). To our knowledge, functional studies have not been reported for this variant. This variant has not been reported in individuals affected with hereditary cancer in the literature. This variant has not been identified in the general population by the Genome Aggregation Database (gnomAD). The available evidence is insufficient to determine the role of this variant in disease conclusively. Therefore, this variant is classified as a Variant of Uncertain Significance.

NM_000051.4(ATM):c.1943T>G (p.Val648Gly)

Gene: ATM (ATM serine/threonine kinase; plus strand). Cytogenetic location: 11q22.3.
Variant type: single nucleotide variant.
Coding change: c.1943T>G on transcript NM_000051.4 (MANE Select); coding-DNA position 1943, T replaced by G.
Protein change: p.Val648Gly; replaces valine 648 with glycine.
Molecular consequence: missense variant.
Genome position (GRCh38, 1-based): chr11:108,253,858, T>G. VCF-style: chr11-108253858-T-G. GRCh37 (hg19) VCF-style: chr11-108124585-T-G.
Other names: c.1943T>G, p.Val648Gly (NM_001351834.2); short protein forms V648G.
Identifiers: ClinVar variation 2774199 (VCV002774199.2), dbSNP rs141175037, ClinGen allele CA382536644.